The following is an entry in ClinVar:

ClinVar aggregate classification (germline): Uncertain significance (1 of 4 stars; one submission).

Conditions:
CHARGE syndrome (CHARGE). Also called: Hittner Hirsch Kreh syndrome; CHARGE ASSOCIATION--COLOBOMA, HEART ANOMALY, CHOANAL ATRESIA, RETARDATION, GENITAL AND EAR ANOMALIES; Coloboma, heart anomaly, choanal atresia, retardation, genital and ear anomalies; CHARGE association; Hall-Hittner syndrome. Identifiers: Orphanet 138, MedGen C0265354, MONDO:0008965.

Allele frequency attached by ClinVar (database versions not stated): gnomAD exomes below 0.00001; TOPMed below 0.00001; ExAC 0.00002.
gnomAD v4.1: 5 of 1,614,046 alleles (0.00031%); highest among the groups gnomAD compares: East Asian, 0.0045%; no homozygotes.

Submission:

Labcorp Genetics (formerly Invitae), Labcorp
Classification: Uncertain significance for CHARGE syndrome. Last evaluated: 2024-07-01. Review status: criteria provided, single submitter. Criteria: Invitae Variant Classification Sherloc (09022015). Collection method: clinical testing. Allele origin: germline.
Comment: This sequence change replaces arginine, which is basic and polar, with glutamine, which is neutral and polar, at codon 440 of the SEMA3E protein (p.Arg440Gln). This variant is present in population databases (rs763371731, gnomAD 0.01%). This variant has not been reported in the literature in individuals affected with SEMA3E-related conditions. ClinVar contains an entry for this variant (Variation ID: 2080514). Advanced modeling of protein sequence and biophysical properties (such as structural, functional, and spatial information, amino acid conservation, physicochemical variation, residue mobility, and thermodynamic stability) performed at Invitae indicates that this missense variant is not expected to disrupt SEMA3E protein function with a negative predictive value of 80%. In summary, the available evidence is currently insufficient to determine the role of this variant in disease. Therefore, it has been classified as a Variant of Uncertain Significance.

NM_012431.3(SEMA3E):c.1319G>A (p.Arg440Gln)

Gene: SEMA3E (semaphorin 3E; minus strand). Cytogenetic location: 7q21.11.
Variant type: single nucleotide variant.
Coding change: c.1319G>A on transcript NM_012431.3 (MANE Select); coding-DNA position 1319, G replaced by A.
Protein change: p.Arg440Gln; replaces arginine 440 with glutamine.
Molecular consequence: missense variant.
Genome position (GRCh38, 1-based): chr7:83,400,075, C>T on the plus strand (G>A on the coding strand, the complement: SEMA3E is on the minus strand). VCF-style: chr7-83400075-C-T. GRCh37 (hg19) VCF-style: chr7-83029391-C-T.
Other names: c.1139G>A, p.Arg380Gln (NM_001178129.2); short protein forms R440Q, R380Q.
Identifiers: ClinVar variation 2080514 (VCV002080514.4), dbSNP rs763371731, ClinGen allele CA4322067.